The following is an entry in ClinVar:

NM_003816.3(ADAM9):c.996+5G>A

Gene: ADAM9 (ADAM metallopeptidase domain 9; plus strand). Cytogenetic location: 8p11.22.
Variant type: single nucleotide variant.
Coding change: c.996+5G>A on transcript NM_003816.3 (MANE Select); 5 bases into the intron after coding-DNA position 996, G replaced by A.
Molecular consequence: intron variant.
Genome position (GRCh38, 1-based): chr8:39,025,889, G>A. VCF-style: chr8-39025889-G-A. GRCh37 (hg19) VCF-style: chr8-38883408-G-A.
Identifiers: ClinVar variation 1377387 (VCV001377387.4), dbSNP rs1836903734, ClinGen allele CA1777814747.

ClinVar aggregate classification (germline): Uncertain significance (1 of 4 stars; one submission).

Allele frequency attached by ClinVar (database versions not stated): gnomAD exomes below 0.00001; TOPMed below 0.00001.
gnomAD v4.1: 4 of 1,613,618 alleles (0.00025%); highest among the groups gnomAD compares: Non-Finnish European, 0.00034%; no homozygotes.

Submission:

Labcorp Genetics (formerly Invitae), Labcorp
Classification: Uncertain significance. Last evaluated: 2022-11-12. Review status: criteria provided, single submitter. Criteria: Invitae Variant Classification Sherloc (09022015). Collection method: clinical testing. Allele origin: germline.
Comment: This variant is not present in population databases (gnomAD no frequency). This sequence change falls in intron 10 of the ADAM9 gene. It does not directly change the encoded amino acid sequence of the ADAM9 protein. It affects a nucleotide within the consensus splice site. This variant has not been reported in the literature in individuals affected with ADAM9-related conditions. In summary, the available evidence is currently insufficient to determine the role of this variant in disease. Therefore, it has been classified as a Variant of Uncertain Significance. Variants that disrupt the consensus splice site are a relatively common cause of aberrant splicing (PMID: 17576681, 9536098). Algorithms developed to predict the effect of sequence changes on RNA splicing suggest that this variant may disrupt the consensus splice site. ClinVar contains an entry for this variant (Variation ID: 1377387).

Literature cited by the submitters: PubMed 17576681; PubMed 9536098.